The following continues an entry in ClinVar:

NM_001267550.2(TTN):c.47494C>T (p.Arg15832Ter)

ClinVar aggregate classification (germline): Pathogenic/Likely pathogenic. Pathogenic (10); Likely pathogenic (1).

Submissions 6 to 11 of 11:

Rady Children's Institute for Genomic Medicine, Rady Children's Hospital San Diego
Classification: Pathogenic for TTN-Related Disorders. Last evaluated: 2024-08-22. Review status: criteria provided, single submitter. Criteria: ACMG Guidelines, 2015. Collection method: clinical testing. Allele origin: germline. Affected: yes.
Comment: This variant results in a c.20299C>T (p.Arg6767Ter) and a c.39790C>T (p.Arg13264Ter) change in alternate transcripts, respectively (NM_003319.4; NM_133378.4). This nonsense variant found in exon 253 of 363 is predicted to result in loss of normal protein function through either protein truncation or nonsense-mediated mRNA decay. Loss-of-function variation in TTN is an established mechanism of disease (PMID: 22335739). The c.47494C>T (p.Arg15832Ter) variant is located in the A-band region of TTN and is present in a constitutively expressed exon (percent spliced in or PSI 100%). Loss of function variants located in constitutively expressed exons (PSI >90%) have been reported to be enriched in dilated cardiomyopathy regardless of their position in the titin protein (PMID: 27869827). This variant has been previously reported in patients with dilated cardiomyopathy and atrial fibrillation (PMID: 31317183, 32815318, 30535219, 34495297, 36264615). This variant was also reported as a compound heterozygous variant in a patient with congenital myopathy (PMID: 38544359). The c.47494C>T (p.Arg15832Ter) variant is present in the latest version of the gnomAD population database at an allele frequency of 0.0006% (9/1612382) and thus is presumed to be rare. Based on the available evidence, c.47494C>T (p.Arg15832Ter) is classified as Pathogenic.

Blueprint Genetics
Classification: Pathogenic for TTN-related disorders. Last evaluated: 2024-06-19. Review status: criteria provided, single submitter. Criteria: ACMG Guidelines, 2015. Collection method: clinical testing. Allele origin: germline. Affected: yes. Observed: 4 variant alleles.

Ambry Genetics
Classification: Pathogenic for Cardiovascular phenotype. Last evaluated: 2023-01-27. Review status: criteria provided, single submitter. Criteria: Ambry Variant Classification Scheme 2023. Collection method: clinical testing. Allele origin: germline.
Comment: The p.R6767* pathogenic mutation (also known as c.20299C>T), located in coding exon 80 of the TTN gene, results from a C to T substitution at nucleotide position 20299. This changes an amino acid from an arginine to a stop codon within coding exon 80. This exon is located in the A-band region of the N2-B isoform of the titin protein and is constitutively expressed in TTN transcripts (percent spliced in or PSI 100%). This variant (also referred to as (c.47494C>T, p.R15832X)) has been reported in early-onset atrial fibrillation and dilated cardiomyopathy cohorts (Choi SH et al. JAMA, 2018 12;320:2354-2364; Augusto JB et al. Eur Heart J Cardiovasc Imaging, 2019 Jul). This alteration is expected to result in loss of function by premature protein truncation or nonsense-mediated mRNA decay. While truncating variants in TTN are present in 1-3% of the general population, truncating variants in the A-band are the most common cause of dilated cardiomyopathy (DCM) (Herman DS et al. N. Engl. J. Med. 2012 Feb;366:619-28; Roberts AM et al. Sci Transl Med. 2015 Jan;7:270ra6). TTN truncating variants encoded in constitutive exons (PSI >90%) have been found to be significantly associated with DCM regardless of their position in titin (Schafer S et al. Nat. Genet. 2017 Jan;49:46-53). Based on the supporting evidence, this alteration is interpreted as a disease-causing mutation.

AiLife Diagnostics
Classification: Pathogenic. Last evaluated: 2021-08-18. Review status: criteria provided, single submitter. Criteria: ACMG Guidelines, 2015. Collection method: clinical testing. Allele origin: germline. Affected: yes. Observed: 1 variant allele.

CHEO Genetics Diagnostic Laboratory, Children's Hospital of Eastern Ontario
Classification: Pathogenic for Cardiomyopathy. Last evaluated: 2020-06-25. Review status: criteria provided, single submitter. Criteria: ACMG Guidelines, 2015. Collection method: clinical testing. Allele origin: germline.

Juno Genomics, Hangzhou Juno Genomics, Inc
Classification: Pathogenic for Early-onset myopathy with fatal cardiomyopathy; Dilated cardiomyopathy 1G; Hypertrophic cardiomyopathy 9; Autosomal recessive limb-girdle muscular dystrophy type 2J; Myopathy, myofibrillar, 9, with early respiratory failure; Tibial muscular dystrophy. Review status: criteria provided, single submitter. Criteria: ACMG Guidelines, 2015. Collection method: clinical testing. Allele origin: germline.
Comment: Absent from controls (or at extremely low frequency if recessive) in Genome Aggregation Database.;Null variant in a gene where loss of function (LOF) is a known mechanism of disease.;The prevalence of the variant in affected individuals is significantly increased compared to the prevalence in controls.

Literature cited by the submitters: PubMed 31317183 (cited by 4 submitters); PubMed 32815318 (cited by Labcorp Genetics (formerly Invitae), Labcorp and Women's Health and Genetics/Laboratory Corporation of America, LabCorp); PubMed 25589632 (cited by Labcorp Genetics (formerly Invitae), Labcorp); PubMed 23975875 (cited by Labcorp Genetics (formerly Invitae), Labcorp); PubMed 31879508 (cited by Women's Health and Genetics/Laboratory Corporation of America, LabCorp); PubMed 30535219 (cited by Ambry Genetics and AiLife Diagnostics).